The following is an entry in ClinVar:

NM_000059.4(BRCA2):c.3626C>T (p.Thr1209Ile)

Gene: BRCA2 (BRCA2 DNA repair associated; plus strand). Cytogenetic location: 13q13.1.
Variant type: single nucleotide variant.
Coding change: c.3626C>T on transcript NM_000059.4 (MANE Select); coding-DNA position 3626, C replaced by T.
Protein change: p.Thr1209Ile; replaces threonine 1209 with isoleucine.
Molecular consequence: missense variant. On other transcripts: intron variant (2), non-coding transcript variant (1).
Genome position (GRCh38, 1-based): chr13:32,337,981, C>T. VCF-style: chr13-32337981-C-T. GRCh37 (hg19) VCF-style: chr13-32912118-C-T.
Other names: c.3626C>T, p.Thr1209Ile (NM_001432077.1, NM_001406719.1, NM_001406720.1); c.1909+4594C>T (NM_001406721.1); c.425-6577C>T (NM_001406722.1); short protein forms T1209I.
Identifiers: ClinVar variation 3636462 (VCV003636462.2).

ClinVar aggregate classification (germline): Uncertain significance (1 of 4 stars; one submission).

Conditions:
Hereditary breast ovarian cancer syndrome. Also called: Hereditary breast and ovarian cancer syndrome; Hereditary breast and ovarian cancer syndrome (HBOC); BRCA1- and BRCA2-Associated Hereditary Breast and Ovarian Cancer; Hereditary breast and ovarian cancer; Breast and ovarian cancer; Hereditary breast and/or ovarian cancer syndrome. Identifiers: Orphanet 145, MedGen C0677776, MeSH D061325, MONDO:0003582. Disease mechanism: loss of function.

Submission:

Labcorp Genetics (formerly Invitae), Labcorp
Classification: Uncertain significance for Hereditary breast ovarian cancer syndrome. Last evaluated: 2024-02-05. Review status: criteria provided, single submitter. Criteria: Invitae Variant Classification Sherloc (09022015). Collection method: clinical testing. Allele origin: germline.
Comment: This sequence change replaces threonine, which is neutral and polar, with isoleucine, which is neutral and non-polar, at codon 1209 of the BRCA2 protein (p.Thr1209Ile). This variant is not present in population databases (gnomAD no frequency). This variant has not been reported in the literature in individuals affected with BRCA2-related conditions. Advanced modeling of protein sequence and biophysical properties (such as structural, functional, and spatial information, amino acid conservation, physicochemical variation, residue mobility, and thermodynamic stability) performed at Invitae indicates that this missense variant is not expected to disrupt BRCA2 protein function with a negative predictive value of 95%. In summary, the available evidence is currently insufficient to determine the role of this variant in disease. Therefore, it has been classified as a Variant of Uncertain Significance.